The following is an entry in ClinVar:

ClinVar aggregate classification (germline): Uncertain significance. Review status: criteria provided, single submitter (1 of 4 stars). 2 submissions from 2 submitters: Uncertain significance (1). 1 of the submissions does not count toward it. Last evaluated 2022-02-21.

Conditions:
NEFH-related disorder. Also called: NEFH-related condition.

Allele frequency attached by ClinVar (database versions not stated): gnomAD exomes below 0.00001.
gnomAD v4.1: 2 of 1,614,074 alleles (0.00012%); no homozygotes.

Submissions (2):

Labcorp Genetics (formerly Invitae), Labcorp
Classification: Uncertain significance. Last evaluated: 2022-02-21. Review status: criteria provided, single submitter. Criteria: Invitae Variant Classification Sherloc (09022015). Collection method: clinical testing. Allele origin: germline.
Comment: This sequence change creates a premature translational stop signal (p.Gln326*) in the NEFH gene. It is expected to result in an absent or disrupted protein product. However, the current clinical and genetic evidence is not sufficient to establish whether loss-of-function variants in NEFH cause disease. This variant is present in population databases (no rsID available, gnomAD 0.008%). This variant has not been reported in the literature in individuals affected with NEFH-related conditions. In summary, the available evidence is currently insufficient to determine the role of this variant in disease. Therefore, it has been classified as a Variant of Uncertain Significance.

PreventionGenetics, part of Exact Sciences
Classification: Uncertain significance for NEFH-related condition. Last evaluated: 2024-07-09. Review status: no assertion criteria provided. Collection method: clinical testing. Allele origin: germline. Not counted in ClinVar's aggregate classification.
Comment: The NEFH c.976C>T variant is predicted to result in premature protein termination (p.Gln326*). To our knowledge, this variant has not been reported in the literature. This variant is reported in 0.0080% of alleles in individuals of European (Finnish) descent in gnomAD. At this time, the clinical significance of this variant is uncertain due to the absence of conclusive functional and genetic evidence.

NM_021076.4(NEFH):c.976C>T (p.Gln326Ter)

Gene: NEFH (neurofilament heavy chain; plus strand). Cytogenetic location: 22q12.2.
Variant type: single nucleotide variant.
Coding change: c.976C>T on transcript NM_021076.4 (MANE Select); coding-DNA position 976, C replaced by T.
Protein change: p.Gln326Ter; replaces glutamine 326 with a stop codon.
Molecular consequence: nonsense.
Genome position (GRCh38, 1-based): chr22:29,483,467, C>T. VCF-style: chr22-29483467-C-T. GRCh37 (hg19) VCF-style: chr22-29879456-C-T.
Other names: c.976C>T (NM_021076.3); short protein forms Q326*.
Identifiers: ClinVar variation 2100908 (VCV002100908.5), dbSNP rs1367565532, ClinGen allele CA411125249.